The following is an entry in ClinVar:

ClinVar aggregate classification (germline): Uncertain significance. Review status: criteria provided, multiple submitters, no conflicts (2 of 4 stars). 2 submissions from 2 submitters: Uncertain significance (2). Last evaluated 2025-03-04.

Allele frequency attached by ClinVar (database versions not stated): gnomAD exomes 0.00002; ExAC 0.00004.
gnomAD v4.1: 25 of 1,613,818 alleles (0.0015%); highest among the groups gnomAD compares: South Asian, 0.025%; 1 homozygote.

Submissions (2):

Center for Genomic Medicine, Rigshospitalet, Copenhagen University Hospital
Classification: Uncertain significance. Last evaluated: 2025-03-04. Review status: criteria provided, single submitter. Criteria: ACMG Guidelines, 2015. Collection method: clinical testing. Allele origin: germline.

Ambry Genetics
Classification: Uncertain significance. Last evaluated: 2024-11-23. Review status: criteria provided, single submitter. Criteria: Ambry Variant Classification Scheme 2023. Collection method: clinical testing. Allele origin: germline.
Comment: The p.L710Q variant (also known as c.2129T>A), located in coding exon 8 of the RNF43 gene, results from a T to A substitution at nucleotide position 2129. The leucine at codon 710 is replaced by glutamine, an amino acid with dissimilar properties. This amino acid position is conserved. In addition, this alteration is predicted to be tolerated by in silico analysis. Based on the available evidence, the clinical significance of this variant remains unclear.

NM_017763.6(RNF43):c.2129T>A (p.Leu710Gln)

Gene: RNF43 (ring finger protein 43; minus strand). Cytogenetic location: 17q22.
Variant type: single nucleotide variant.
Coding change: c.2129T>A on transcript NM_017763.6 (MANE Select); coding-DNA position 2129, T replaced by A.
Protein change: p.Leu710Gln; replaces leucine 710 with glutamine.
Molecular consequence: missense variant.
Genome position (GRCh38, 1-based): chr17:58,357,647, A>T on the plus strand (T>A on the coding strand, the complement: RNF43 is on the minus strand). VCF-style: chr17-58357647-A-T. GRCh37 (hg19) VCF-style: chr17-56435008-A-T.
Other names: c.2129T>A, p.Leu710Gln (NM_001305544.3); c.1748T>A, p.Leu583Gln (NM_001305545.2); c.2129T>A (NM_017763.4); short protein forms L583Q, L710Q.
Identifiers: ClinVar variation 2692004 (VCV002692004.3), dbSNP rs766890421, ClinGen allele CA8673065.